The following is an entry in ClinVar:

ClinVar aggregate classification (germline): Pathogenic (1 of 4 stars; one submission).

Allele frequency attached by ClinVar (database versions not stated): gnomAD exomes 0.00001; gnomAD 0.00002.
gnomAD v4.1: 11 of 1,609,330 alleles (0.00068%); highest among the groups gnomAD compares: Non-Finnish European, 0.00093%; no homozygotes.

Submission:

Labcorp Genetics (formerly Invitae), Labcorp
Classification: Pathogenic. Last evaluated: 2024-01-09. Review status: criteria provided, single submitter. Criteria: Invitae Variant Classification Sherloc (09022015). Collection method: clinical testing. Allele origin: germline.
Comment: This sequence change creates a premature translational stop signal (p.Gln234*) in the IMPG1 gene. It is expected to result in an absent or disrupted protein product. Loss-of-function variants in IMPG1 are known to be pathogenic (PMID: 23993198). The frequency data for this variant in the population databases is considered unreliable, as metrics indicate poor data quality at this position in the gnomAD database. This variant has not been reported in the literature in individuals affected with IMPG1-related conditions. For these reasons, this variant has been classified as Pathogenic.

Literature cited by the submitters: PubMed 23993198.

NM_001563.4(IMPG1):c.700C>T (p.Gln234Ter)

Gene: IMPG1 (interphotoreceptor matrix proteoglycan 1; minus strand). Cytogenetic location: 6q14.1.
Variant type: single nucleotide variant.
Coding change: c.700C>T on transcript NM_001563.4 (MANE Select); coding-DNA position 700, C replaced by T.
Protein change: p.Gln234Ter; replaces glutamine 234 with a stop codon.
Molecular consequence: nonsense.
Genome position (GRCh38, 1-based): chr6:76,018,825, G>A on the plus strand (C>T on the coding strand, the complement: IMPG1 is on the minus strand). VCF-style: chr6-76018825-G-A. GRCh37 (hg19) VCF-style: chr6-76728542-G-A.
Other names: c.466C>T, p.Gln156Ter (NM_001282368.2); short protein forms Q156*, Q234*.
Identifiers: ClinVar variation 2895065 (VCV002895065.3), dbSNP rs1157715048, ClinGen allele CA364779015.